The following is an entry in ClinVar:

NM_000465.4(BARD1):c.1725_1903+740del

Gene: BARD1 (BRCA1 associated RING domain 1; minus strand). Cytogenetic location: 2q35.
Variant type: Deletion.
Coding change: c.1725_1903+740del on transcript NM_000465.4 (MANE Select); coding-DNA position 1725 through 740 bases into the intron after coding-DNA position 1903, 1,481 bases deleted.
Molecular consequence: splice acceptor variant, splice donor variant. On other transcripts: intron variant (1).
Genome position (GRCh38, 1-based): chr2:214,744,327-214,745,807, 1,481 bases deleted. GRCh37 (hg19): chr2:215,609,053-215,610,533.
Other names: c.1725_1903+740del (LRG_297t1); c.315_493+740del (NM_001282548.2); c.1668_1846+740del (NM_001282543.2); c.372_550+740del (NM_001282545.2); c.365-15299_365-13819del (NM_001282549.2).
Identifiers: ClinVar variation 571479 (VCV000571479.3), ClinGen allele CA891842520.

ClinVar aggregate classification (germline): Pathogenic (1 of 4 stars; one submission).

Conditions:
Familial cancer of breast. Also called: hereditary breast carcinoma; BREAST CANCER, FAMILIAL; Hereditary breast cancer. Identifiers: Orphanet 227535, MedGen C0346153, MONDO:0016419, OMIM 114480. Disease mechanism: loss of function.

Submission:

Labcorp Genetics (formerly Invitae), Labcorp
Classification: Pathogenic for Hereditary Breast Carcinoma. Last evaluated: 2018-12-11. Review status: criteria provided, single submitter. Criteria: Invitae Variant Classification Sherloc (09022015). Collection method: clinical testing. Allele origin: germline.
Comment: This variant is a deletion of the genomic region encompassing exon 9 and part of exon 8 (c.1725_1903+1209del) of the BARD1 gene. It is expected to disrupt RNA splicing and likely results in an absent or disrupted protein product. This variant has not been reported in the literature in individuals with BARD1-related disease. Loss-of-function variants in BARD1 are known to be pathogenic (PMID: 20077502, 21344236). For these reasons, this variant has been classified as Pathogenic.